The following is an entry in ClinVar:

NM_018192.4(P3H2):c.956-5T>G

Gene: P3H2 (prolyl 3-hydroxylase 2; minus strand). Cytogenetic location: 3q28.
Variant type: single nucleotide variant.
Coding change: c.956-5T>G on transcript NM_018192.4 (MANE Select); 5 bases into the intron before coding-DNA position 956, T replaced by G.
Molecular consequence: intron variant.
Genome position (GRCh38, 1-based): chr3:189,987,674, A>C on the plus strand (T>G on the coding strand, the complement: P3H2 is on the minus strand). VCF-style: chr3-189987674-A-C. GRCh37 (hg19) VCF-style: chr3-189705463-A-C.
Other names: c.413-5T>G (NM_001134418.2).
Identifiers: ClinVar variation 1963079 (VCV001963079.5), dbSNP rs2473819670, ClinGen allele CA2580070520.
Genomic context (GRCh38, chr3:189,987,674, plus strand): 5'-TGGATGGCATAGAAGATAGGCTTTGGCACACTCCAGGGCTTTCACATACTCACCAACTGA[A>C]AGACAAAGGAGTTGCAGCATTAGAGTCAGCCTAGGTCTGTCCAAAGGATTTTAAAGGGAG-3'

ClinVar aggregate classification (germline): Uncertain significance (1 of 4 stars; one submission).

Allele frequency attached by ClinVar (database versions not stated): gnomAD exomes below 0.00001.
gnomAD v4.1: 1 of 1,613,958 alleles (0.000062%); highest among the groups gnomAD compares: South Asian, 0.0011%; no homozygotes.

Submission:

Labcorp Genetics (formerly Invitae), Labcorp
Classification: Uncertain significance. Last evaluated: 2022-03-11. Review status: criteria provided, single submitter. Criteria: Invitae Variant Classification Sherloc (09022015). Collection method: clinical testing. Allele origin: germline.
Comment: This sequence change falls in intron 4 of the P3H2 gene. It does not directly change the encoded amino acid sequence of the P3H2 protein. This variant is not present in population databases (gnomAD no frequency). This variant has not been reported in the literature in individuals affected with P3H2-related conditions. Algorithms developed to predict the effect of sequence changes on RNA splicing suggest that this variant may create or strengthen a splice site. In summary, the available evidence is currently insufficient to determine the role of this variant in disease. Therefore, it has been classified as a Variant of Uncertain Significance.